The following is an entry in ClinVar:

NM_001165963.4(SCN1A):c.5371_5372del (p.Val1791fs)

Genes: SCN1A (sodium voltage-gated channel alpha subunit 1; minus strand), LOC102724058 (uncharacterized LOC102724058; plus strand). Cytogenetic location: 2q24.3.
Variant type: Microsatellite.
Coding change: c.5371_5372del on transcript NM_001165963.4 (MANE Select); coding-DNA positions 5371 to 5372, 2 bases deleted (GT; older notation c.5371_5372delGT).
Protein change: p.Val1791fs; shifts the reading frame from valine 1791.
Molecular consequence: frameshift variant. On other transcripts: non-coding transcript variant (1).
Genome position (GRCh38, 1-based): chr2:165,991,903-165,991,904, AC deleted on the plus strand (GT on the coding strand, the reverse complement: SCN1A is on the minus strand); deleting any 2 consecutive bases within chr2:165,991,903-165,991,906 gives the same sequence; the c. name uses the placement nearest the transcript's 3' end. VCF-style (leftmost placement, unchanged base first): chr2-165991902-AAC-A. GRCh37 (hg19) VCF-style: chr2-166848412-AAC-A.
Other names: c.5287_5288del, p.Val1763fs (NM_001165964.3, NM_001353957.2, NM_001353958.2); c.5371_5372del, p.Val1791fs (NM_001202435.3, NM_001353948.2); c.5338_5339del, p.Val1780fs (NM_001353949.2, NM_001353950.2, NM_001353951.2 and 2 more transcripts); c.5335_5336del, p.Val1779fs (NM_001353954.2, NM_001353955.2); c.5284_5285del, p.Val1762fs (NM_001353960.2); c.2929_2930del, p.Val977fs (NM_001353961.2); short protein forms V1763fs, V1791fs, V977fs, V1779fs, V1780fs, V1762fs.
Identifiers: ClinVar variation 1446390 (VCV001446390.9), dbSNP rs2105428710, ClinGen allele CA2580614390.

ClinVar aggregate classification (germline): Pathogenic (1 of 4 stars; one submission).

Conditions:
Early-infantile DEE. Also called: Early infantile epileptic encephalopathy; Ohtahara syndrome; Early infantile epileptic encephalopathy with suppression bursts. Identifiers: Orphanet 1934, MedGen C0393706, MONDO:0800491.

Submission:

Labcorp Genetics (formerly Invitae), Labcorp
Classification: Pathogenic for Early-infantile DEE. Last evaluated: 2021-05-21. Review status: criteria provided, single submitter. Criteria: Invitae Variant Classification Sherloc (09022015). Collection method: clinical testing. Allele origin: germline.
Comment: For these reasons, this variant has been classified as Pathogenic. This variant disrupts the C-terminus of the SCN1A protein. Other variant(s) that disrupt this region (p.Arg1912*) have been determined to be pathogenic (PMID: 14738421, 23195492, 20522430, Invitae). This suggests that variants that disrupt this region of the protein are likely to be causative of disease. This variant has not been reported in the literature in individuals with SCN1A-related conditions. This variant is not present in population databases (ExAC no frequency). This sequence change creates a premature translational stop signal (p.Val1791Cysfs*3) in the SCN1A gene. While this is not anticipated to result in nonsense mediated decay, it is expected to disrupt the last 219 amino acid(s) of the SCN1A protein.

Literature cited by the submitters: PubMed 14738421; PubMed 23195492; PubMed 20522430.